The following is an entry in ClinVar:

NC_000023.10:g.(?_18690117)_(18690188_?)dup

Gene: RS1 (retinoschisin 1; minus strand). Cytogenetic location: Xp22.13.
Variant type: Duplication.
Identifiers: ClinVar variation 2422909 (VCV002422909.3).

ClinVar aggregate classification (germline): Uncertain significance (1 of 4 stars; one submission).

Submission:

Labcorp Genetics (formerly Invitae), Labcorp
Classification: Uncertain significance. Last evaluated: 2022-02-08. Review status: criteria provided, single submitter. Criteria: Invitae Variant Classification Sherloc (09022015). Collection method: clinical testing. Allele origin: germline.
Comment: This variant results in a copy number gain of the genomic region encompassing exon(s) 1 of the RS1 gene. This region includes the initiator codon of the gene. This copy number gain extends beyond the assayed region for this gene and therefore may encompass additional genes. As the precise location of this event is unknown, it may be in tandem or it may be located elsewhere in the genome. This variant has not been reported in the literature in individuals affected with RS1-related conditions. Experimental studies and prediction algorithms are not available or were not evaluated, and the functional significance of this variant is currently unknown. In summary, the available evidence is currently insufficient to determine the role of this variant in disease. Therefore, it has been classified as a Variant of Uncertain Significance.